The following is an entry in ClinVar:

NM_021930.6(RINT1):c.1684C>T (p.Leu562Phe)

Gene: RINT1 (RAD50 interactor 1; plus strand). Cytogenetic location: 7q22.3.
Variant type: single nucleotide variant.
Coding change: c.1684C>T on transcript NM_021930.6 (MANE Select); coding-DNA position 1684, C replaced by T.
Protein change: p.Leu562Phe; replaces leucine 562 with phenylalanine.
Molecular consequence: missense variant. On other transcripts: non-coding transcript variant (1).
Genome position (GRCh38, 1-based): chr7:105,563,745, C>T. VCF-style: chr7-105563745-C-T. GRCh37 (hg19) VCF-style: chr7-105204192-C-T.
Other names: c.1450C>T, p.Leu484Phe (NM_001346599.2); c.661C>T, p.Leu221Phe (NM_001346600.2, NM_001346603.2); c.760C>T, p.Leu254Phe (NM_001346601.2); short protein forms L221F, L254F, L484F, L562F.
Identifiers: ClinVar variation 5028266 (VCV005028266.1).

ClinVar aggregate classification (germline): Uncertain significance (1 of 4 stars; one submission).

Submission:

Ambry Genetics
Classification: Uncertain significance. Last evaluated: 2026-06-25. Review status: criteria provided, single submitter. Criteria: Ambry Variant Classification Scheme 2023. Collection method: clinical testing. Allele origin: germline.
Comment: The p.L562F variant (also known as c.1684C>T), located in coding exon 12 of the RINT1 gene, results from a C to T substitution at nucleotide position 1684. The leucine at codon 562 is replaced by phenylalanine, an amino acid with highly similar properties. This amino acid position is conserved. In addition, the in silico prediction for this alteration is inconclusive. Based on the available evidence, the clinical significance of this variant remains unclear.